The following is an entry in ClinVar:

NM_001243279.3(ACSF3):c.217T>C (p.Ser73Pro)

Gene: ACSF3 (acyl-CoA synthetase family member 3; plus strand). Cytogenetic location: 16q24.3.
Variant type: single nucleotide variant.
Coding change: c.217T>C on transcript NM_001243279.3 (MANE Select); coding-DNA position 217, T replaced by C.
Protein change: p.Ser73Pro; replaces serine 73 with proline.
Molecular consequence: missense variant. On other transcripts: non-coding transcript variant (3), intron variant (1).
Genome position (GRCh38, 1-based): chr16:89,100,898, T>C. VCF-style: chr16-89100898-T-C. GRCh37 (hg19) VCF-style: chr16-89167306-T-C.
Other names: c.217T>C, p.Ser73Pro (NM_001127214.4, NM_174917.5); c.-129-1706T>C (NM_001284316.2); short protein forms S73P.
Identifiers: ClinVar variation 2417481 (VCV002417481.3), dbSNP rs776862565, ClinGen allele CA8237576.

ClinVar aggregate classification (germline): Uncertain significance (1 of 4 stars; one submission).

Conditions:
Combined malonic and methylmalonic acidemia. Identifiers: Orphanet 289504, MedGen C3280314, MONDO:0013661, OMIM 614265.

Allele frequency attached by ClinVar (database versions not stated): TOPMed below 0.00001; ExAC 0.00001.

Submission:

Labcorp Genetics (formerly Invitae), Labcorp
Classification: Uncertain significance for Combined malonic and methylmalonic acidemia. Last evaluated: 2022-02-25. Review status: criteria provided, single submitter. Criteria: Invitae Variant Classification Sherloc (09022015). Collection method: clinical testing. Allele origin: germline.
Comment: This sequence change replaces serine, which is neutral and polar, with proline, which is neutral and non-polar, at codon 73 of the ACSF3 protein (p.Ser73Pro). This variant is present in population databases (rs776862565, gnomAD 0.009%). This variant has not been reported in the literature in individuals affected with ACSF3-related conditions. Advanced modeling of protein sequence and biophysical properties (such as structural, functional, and spatial information, amino acid conservation, physicochemical variation, residue mobility, and thermodynamic stability) performed at Invitae indicates that this missense variant is expected to disrupt ACSF3 protein function. In summary, the available evidence is currently insufficient to determine the role of this variant in disease. Therefore, it has been classified as a Variant of Uncertain Significance.